The following is an entry in ClinVar:

ClinVar aggregate classification (germline): Uncertain significance. Review status: criteria provided, multiple submitters, no conflicts (2 of 4 stars). 2 submissions from 2 submitters: Uncertain significance (2). Last evaluated 2025-12-26.

Conditions:
Inborn genetic diseases. Identifiers: MedGen C0950123, MeSH D030342.

Allele frequency attached by ClinVar (database versions not stated): gnomAD 0.00001; ESP Exome Variant Server 0.00008.
gnomAD v4.1: 21 of 1,614,034 alleles (0.0013%); highest among the groups gnomAD compares: East Asian, 0.0045%; no homozygotes.

Submissions (2):

Labcorp Genetics (formerly Invitae), Labcorp
Classification: Uncertain significance. Last evaluated: 2025-12-26. Review status: criteria provided, single submitter. Criteria: Invitae Variant Classification Sherloc (09022015). Collection method: clinical testing. Allele origin: germline.
Comment: This sequence change replaces arginine, which is basic and polar, with glutamine, which is neutral and polar, at codon 1038 of the DSG1 protein (p.Arg1038Gln). This variant is present in population databases (rs370813362, gnomAD 0.01%). This variant has not been reported in the literature in individuals affected with DSG1-related conditions. ClinVar contains an entry for this variant (Variation ID: 3015433). An algorithm developed to predict the effect of missense changes on protein structure and function (PolyPhen-2) suggests that this variant is likely to be disruptive. In summary, the available evidence is currently insufficient to determine the role of this variant in disease. Therefore, it has been classified as a Variant of Uncertain Significance.

Ambry Genetics
Classification: Uncertain significance for Inborn genetic diseases. Last evaluated: 2024-11-08. Review status: criteria provided, single submitter. Criteria: Ambry Variant Classification Scheme 2023. Collection method: clinical testing. Allele origin: germline.

NM_001942.4(DSG1):c.3113G>A (p.Arg1038Gln)

Genes: DSG1 (desmoglein 1; plus strand), DSG1-AS1 (DSG1 antisense RNA 1; minus strand). Cytogenetic location: 18q12.1.
Variant type: single nucleotide variant.
Coding change: c.3113G>A on transcript NM_001942.4 (MANE Select); coding-DNA position 3113, G replaced by A.
Protein change: p.Arg1038Gln; replaces arginine 1038 with glutamine.
Molecular consequence: missense variant.
Genome position (GRCh38, 1-based): chr18:31,355,309, G>A. VCF-style: chr18-31355309-G-A. GRCh37 (hg19) VCF-style: chr18-28935272-G-A.
Other names: c.3113G>A (NM_001942.2); short protein forms R1038Q.
Identifiers: ClinVar variation 3015433 (VCV003015433.4), dbSNP rs370813362, ClinGen allele CA8926525.